The following is an entry in ClinVar:

ClinVar aggregate classification (germline): Benign. Review status: criteria provided, multiple submitters, no conflicts (2 of 4 stars). 4 submissions from 4 submitters: Benign (4). Last evaluated 2026-01-28.

Allele frequency attached by ClinVar (database versions not stated): 1000 Genomes Project 0.05092; gnomAD exomes 0.08531 and 0.07112; TOPMed 0.06708; gnomAD 0.07198 and 0.07347; 1000 Genomes Project 30x 0.05184; ExAC 0.07297; ESP Exome Variant Server 0.07543.
gnomAD v4.1: 134,927 of 1,610,910 alleles (8.4%); highest among the groups gnomAD compares: Non-Finnish European, 9.2%; 6,255 homozygotes.

Submissions (4):

Labcorp Genetics (formerly Invitae), Labcorp
Classification: Benign. Last evaluated: 2026-01-28. Review status: criteria provided, single submitter. Criteria: Invitae Variant Classification Sherloc (09022015). Collection method: clinical testing. Allele origin: germline.

Mayo Clinic Laboratories, Mayo Clinic
Classification: Benign. Last evaluated: 2023-01-17. Review status: criteria provided, single submitter. Criteria: ACMG Guidelines, 2015. Collection method: clinical testing. Allele origin: germline. Observed: 20 variant alleles.
Comment: BA1, BS2, BP4

GeneDx
Classification: Benign. Last evaluated: 2021-05-04. Review status: criteria provided, single submitter. Criteria: GeneDx Variant Classification Process June 2021. Collection method: clinical testing. Allele origin: germline. Affected: yes.
Comment: This variant is associated with the following publications: (PMID: 30808327)

Breakthrough Genomics
Classification: Benign. Review status: criteria provided, single submitter. Criteria: ACMG Guidelines, 2015. Collection method: not provided. Allele origin: germline. Inheritance: Autosomal recessive inheritance. Affected: yes.

Literature cited by the submitters: PubMed 30808327 (cited by Mayo Clinic Laboratories, Mayo Clinic).

NM_005560.6(LAMA5):c.5149C>T (p.His1717Tyr)

Gene: LAMA5 (laminin subunit alpha 5; minus strand). Cytogenetic location: 20q13.33.
Variant type: single nucleotide variant.
Coding change: c.5149C>T on transcript NM_005560.6 (MANE Select); coding-DNA position 5149, C replaced by T.
Protein change: p.His1717Tyr; replaces histidine 1717 with tyrosine.
Molecular consequence: missense variant.
Genome position (GRCh38, 1-based): chr20:62,326,930, G>A on the plus strand (C>T on the coding strand, the complement: LAMA5 is on the minus strand). VCF-style: chr20-62326930-G-A. GRCh37 (hg19) VCF-style: chr20-60901986-G-A.
Other names: p.His1717Tyr; short protein forms H1717Y.
Identifiers: ClinVar variation 1226661 (VCV001226661.13), dbSNP rs875379, ClinGen allele CA9942308.